The following is an entry in ClinVar:

ClinVar aggregate classification (germline): Uncertain significance. Review status: criteria provided, multiple submitters, no conflicts (2 of 4 stars). 2 submissions from 2 submitters: Uncertain significance (2). Last evaluated 2026-01-05.

Allele frequency attached by ClinVar (database versions not stated): gnomAD 0.00001.

Submissions (2):

Labcorp Genetics (formerly Invitae), Labcorp
Classification: Uncertain significance. Last evaluated: 2026-01-05. Review status: criteria provided, single submitter. Criteria: Invitae Variant Classification Sherloc (09022015). Collection method: clinical testing. Allele origin: germline.
Comment: This sequence change replaces serine, which is neutral and polar, with threonine, which is neutral and polar, at codon 6 of the NRL protein (p.Ser6Thr). This variant is present in population databases (no rsID available, gnomAD 0.01%). This variant has not been reported in the literature in individuals affected with NRL-related conditions. ClinVar contains an entry for this variant (Variation ID: 2985553). An algorithm developed to predict the effect of missense changes on protein structure and function (PolyPhen-2) suggests that this variant is likely to be disruptive. In summary, the available evidence is currently insufficient to determine the role of this variant in disease. Therefore, it has been classified as a Variant of Uncertain Significance.

Blueprint Genetics
Classification: Uncertain significance. Last evaluated: 2019-03-06. Review status: criteria provided, single submitter. Criteria: ACMG Guidelines, 2015. Collection method: clinical testing. Allele origin: germline.

NM_001354768.3(NRL):c.17G>C (p.Ser6Thr)

Gene: NRL (neural retina leucine zipper; minus strand). Cytogenetic location: 14q11.2.
Variant type: single nucleotide variant.
Coding change: c.17G>C on transcript NM_001354768.3 (MANE Select); coding-DNA position 17, G replaced by C.
Protein change: p.Ser6Thr; replaces serine 6 with threonine.
Molecular consequence: missense variant.
Genome position (GRCh38, 1-based): chr14:24,082,832, C>G on the plus strand (G>C on the coding strand, the complement: NRL is on the minus strand). VCF-style: chr14-24082832-C-G. GRCh37 (hg19) VCF-style: chr14-24552041-C-G.
Other names: c.17G>C, p.Ser6Thr (NM_001354769.1, NM_001354770.2, NM_006177.5); short protein forms S6T.
Identifiers: ClinVar variation 2985553 (VCV002985553.4), dbSNP rs1465608437, ClinGen allele CA389283148.